The following is an entry in ClinVar:

ClinVar aggregate classification (germline): Likely benign (1 of 4 stars; one submission).

gnomAD v4.1: 2 of 1,454,780 alleles (0.00014%); highest among the groups gnomAD compares: Non-Finnish European, 0.00009%; no homozygotes.

Submission:

CeGaT Center for Human Genetics Tuebingen
Classification: Likely benign. Last evaluated: 2023-11-01. Review status: criteria provided, single submitter. Criteria: CeGaT Center For Human Genetics Tuebingen Variant Classification Criteria Version 2. Collection method: clinical testing. Allele origin: germline. Affected: yes. Observed: 1 variant allele.
Comment: MRPL12: PM2:Supporting, BP4, BP7

NM_002949.4(MRPL12):c.60G>A (p.Ala20=)

Gene: MRPL12 (mitochondrial ribosomal protein L12; plus strand). Cytogenetic location: 17q25.3.
Variant type: single nucleotide variant.
Coding change: c.60G>A on transcript NM_002949.4 (MANE Select); coding-DNA position 60, G replaced by A.
Protein change: p.Ala20=; no amino-acid change (alanine 20 retained).
Molecular consequence: synonymous variant.
Genome position (GRCh38, 1-based): chr17:81,703,561, G>A. VCF-style: chr17-81703561-G-A. GRCh37 (hg19) VCF-style: chr17-79670591-G-A.
Identifiers: ClinVar variation 2672713 (VCV002672713.23), dbSNP rs2037278047, ClinGen allele CA502310083.